The following is an entry in ClinVar:

ClinVar aggregate classification (germline): Uncertain significance (1 of 4 stars; one submission).

gnomAD v4.1: 1 of 1,613,916 alleles (0.000062%); highest among the groups gnomAD compares: South Asian, 0.0011%; no homozygotes.

Submission:

Women's Health and Genetics/Laboratory Corporation of America, LabCorp
Classification: Uncertain significance. Last evaluated: 2026-03-13. Review status: criteria provided, single submitter. Criteria: LabCorp Variant Classification Summary - May 2015. Collection method: clinical testing. Allele origin: germline.
Comment: Variant summary: CAPN3 c.2435T>C (p.Leu812Pro) results in a non-conservative amino acid change in the encoded protein sequence. Algorithms developed to predict the effect of missense changes on protein structure and function all suggest that this variant is likely to be disruptive. The variant allele was found at a frequency of 4e-06 in 251432 control chromosomes. The available data on variant occurrences in the general population are insufficient to allow any conclusion about variant significance. c.2435T>C has been observed in individual(s) with symptoms of Limb-Girdle Muscular Dystrophy (Topf_2020). These report(s) do not provide unequivocal conclusions about association of the variant with Limb-Girdle Muscular Dystrophy, Autosomal Recessive. To our knowledge, no experimental evidence demonstrating an impact on protein function has been reported. The following publication have been ascertained in the context of this evaluation (PMID: 32528171). No submitters have cited clinical-significance assessments for this variant to ClinVar. Based on the evidence outlined above, the variant was classified as uncertain significance.

Literature cited by the submitters: PubMed 32528171.

NM_000070.3(CAPN3):c.2435T>C (p.Leu812Pro)

Gene: CAPN3 (calpain 3; plus strand). Cytogenetic location: 15q15.1.
Variant type: single nucleotide variant.
Coding change: c.2435T>C on transcript NM_000070.3 (MANE Select); coding-DNA position 2435, T replaced by C.
Protein change: p.Leu812Pro; replaces leucine 812 with proline.
Molecular consequence: missense variant.
Genome position (GRCh38, 1-based): chr15:42,411,341, T>C. VCF-style: chr15-42411341-T-C. GRCh37 (hg19) VCF-style: chr15-42703539-T-C.
Other names: c.2417T>C, p.Leu806Pro (NM_024344.2); c.2159T>C, p.Leu720Pro (NM_173087.2); c.899T>C, p.Leu300Pro (NM_173088.2); c.440T>C, p.Leu147Pro (NM_173089.2, NM_173090.2); short protein forms L147P, L300P, L720P, L806P, L812P.
Identifiers: ClinVar variation 4847267 (VCV004847267.1).
Genomic context (GRCh38, chr15:42,411,341, plus strand): 5'-TCACAGGAGCTTTTCATGCATTTGACAAGGATGGAGATGGTATCATCAAGCTCAACGTTC[T>C]GGAGGTAAAGCATAGGCACAGCACATTCCCCCTACACATTAAAACTCAAGGTGGAGGGGT-3'
Protein context (NP_000061.1, residues 802-821): DGDGIIKLNV[Leu812Pro]EWLQLTMYA